The following is an entry in ClinVar:

NM_001368809.2(AMPD2):c.2007C>A (p.Tyr669Ter)

Gene: AMPD2 (adenosine monophosphate deaminase 2; plus strand). Cytogenetic location: 1p13.3.
Variant type: single nucleotide variant.
Coding change: c.2007C>A on transcript NM_001368809.2 (MANE Select); coding-DNA position 2007, C replaced by A.
Protein change: p.Tyr669Ter; replaces tyrosine 669 with a stop codon.
Molecular consequence: nonsense.
Genome position (GRCh38, 1-based): chr1:109,630,256, C>A. VCF-style: chr1-109630256-C-A. GRCh37 (hg19) VCF-style: chr1-110172878-C-A.
Other names: c.1815C>A, p.Tyr605Ter (NM_001257361.2); c.1944C>A, p.Tyr648Ter (NM_001308170.1); c.2007C>A, p.Tyr669Ter (NM_004037.9); c.1926C>A, p.Tyr642Ter (NM_139156.4); short protein forms Y648*, Y669*, Y642*, Y605*.
Identifiers: ClinVar variation 4785536 (VCV004785536.1).

ClinVar aggregate classification (germline): Pathogenic (1 of 4 stars; one submission).

Conditions:
Pontocerebellar hypoplasia type 9. Identifiers: Orphanet 369920, MedGen C4014354, MONDO:0014351, OMIM 615809.
Hereditary spastic paraplegia 63. Also called: Spastic paraplegia 63, autosomal recessive. Identifiers: Orphanet 401805, MedGen C3810295, MONDO:0014305, OMIM 615686.

gnomAD v4.1: 1 of 1,613,518 alleles (0.000062%); highest among the groups gnomAD compares: Non-Finnish European, 0.000085%; no homozygotes.

Submission:

Labcorp Genetics (formerly Invitae), Labcorp
Classification: Pathogenic for Pontocerebellar hypoplasia type 9; Hereditary spastic paraplegia 63. Last evaluated: 2025-12-08. Review status: criteria provided, single submitter. Criteria: Invitae Variant Classification Sherloc (09022015). Collection method: clinical testing. Allele origin: germline.
Comment: This sequence change creates a premature translational stop signal (p.Tyr723*) in the AMPD2 gene. It is expected to result in an absent or disrupted protein product. Loss-of-function variants in AMPD2 are known to be pathogenic (PMID: 23911318). This variant is not present in population databases (gnomAD no frequency). This variant has not been reported in the literature in individuals affected with AMPD2-related conditions. For these reasons, this variant has been classified as Pathogenic.

Literature cited by the submitters: PubMed 23911318.